The following is an entry in ClinVar:

ClinVar aggregate classification (germline): Uncertain significance (1 of 4 stars; one submission).

gnomAD v4.1: 1 of 1,613,856 alleles (0.000062%); highest among the groups gnomAD compares: Non-Finnish European, 0.000085%; no homozygotes.

Submission:

Labcorp Genetics (formerly Invitae), Labcorp
Classification: Uncertain significance. Last evaluated: 2024-02-17. Review status: criteria provided, single submitter. Criteria: Invitae Variant Classification Sherloc (09022015). Collection method: clinical testing. Allele origin: germline.
Comment: This sequence change replaces isoleucine, which is neutral and non-polar, with valine, which is neutral and non-polar, at codon 2987 of the PCLO protein (p.Ile2987Val). This variant is not present in population databases (gnomAD no frequency). This variant has not been reported in the literature in individuals affected with PCLO-related conditions. ClinVar contains an entry for this variant (Variation ID: 1478047). Algorithms developed to predict the effect of missense changes on protein structure and function output the following: SIFT: "Not Available"; PolyPhen-2: "Not Available"; Align-GVGD: "Not Available". The valine amino acid residue is found in multiple mammalian species, which suggests that this missense change does not adversely affect protein function. In summary, the available evidence is currently insufficient to determine the role of this variant in disease. Therefore, it has been classified as a Variant of Uncertain Significance.

NM_033026.6(PCLO):c.8959A>G (p.Ile2987Val)

Gene: PCLO (piccolo presynaptic cytomatrix protein; minus strand). Cytogenetic location: 7q21.11.
Variant type: single nucleotide variant.
Coding change: c.8959A>G on transcript NM_033026.6 (MANE Select); coding-DNA position 8959, A replaced by G.
Protein change: p.Ile2987Val; replaces isoleucine 2987 with valine.
Molecular consequence: missense variant.
Genome position (GRCh38, 1-based): chr7:82,951,994, T>C on the plus strand (A>G on the coding strand, the complement: PCLO is on the minus strand). VCF-style: chr7-82951994-T-C. GRCh37 (hg19) VCF-style: chr7-82581310-T-C.
Other names: c.8959A>G, p.Ile2987Val (NM_014510.3); short protein forms I2987V.
Identifiers: ClinVar variation 1478047 (VCV001478047.6), dbSNP rs755949380, ClinGen allele CA367909520.